The following is an entry in ClinVar:

ClinVar aggregate classification (germline): Uncertain significance (1 of 4 stars; one submission).

Conditions:
Nephronophthisis 18 (NPHP18). Identifiers: Orphanet 655, MedGen C3890591, MONDO:0014374, OMIM 615862.

gnomAD v4.1: 4 of 1,613,158 alleles (0.00025%); highest among the groups gnomAD compares: East Asian, 0.0022%; no homozygotes.

Submission:

Labcorp Genetics (formerly Invitae), Labcorp
Classification: Uncertain significance for Nephronophthisis 18. Last evaluated: 2025-05-09. Review status: criteria provided, single submitter. Criteria: Invitae Variant Classification Sherloc (09022015). Collection method: clinical testing. Allele origin: germline.
Comment: This sequence change replaces arginine, which is basic and polar, with glutamine, which is neutral and polar, at codon 41 of the CEP83 protein (p.Arg41Gln). This variant is present in population databases (no rsID available, gnomAD 0.06%). This variant has not been reported in the literature in individuals affected with CEP83-related conditions. Invitae Evidence Modeling of protein sequence and biophysical properties (such as structural, functional, and spatial information, amino acid conservation, physicochemical variation, residue mobility, and thermodynamic stability) indicates that this missense variant is expected to disrupt CEP83 protein function with a positive predictive value of 80%. In summary, the available evidence is currently insufficient to determine the role of this variant in disease. Therefore, it has been classified as a Variant of Uncertain Significance.

NM_016122.3(CEP83):c.122G>A (p.Arg41Gln)

Gene: CEP83 (centrosomal protein 83; minus strand). Cytogenetic location: 12q22.
Variant type: single nucleotide variant.
Coding change: c.122G>A on transcript NM_016122.3 (MANE Select); coding-DNA position 122, G replaced by A.
Protein change: p.Arg41Gln; replaces arginine 41 with glutamine.
Molecular consequence: missense variant. On other transcripts: non-coding transcript variant (1), intron variant (6).
Genome position (GRCh38, 1-based): chr12:94,412,369, C>T on the plus strand (G>A on the coding strand, the complement: CEP83 is on the minus strand). VCF-style: chr12-94412369-C-T. GRCh37 (hg19) VCF-style: chr12-94806145-C-T.
Other names: c.122G>A, p.Arg41Gln (NM_001042399.2, NM_001346457.2, NM_001346460.2 and 4 more transcripts); c.-140+148G>A (NM_001346459.2, NM_001346458.2, NM_001368040.1 and 3 more transcripts); short protein forms R41Q.
Identifiers: ClinVar variation 4805836 (VCV004805836.1).
Genomic context (GRCh38, chr12:94,412,369, plus strand): 5'-GTAATTTACCTTGTGTGTTCAGCCTTCAGTGTCTGATAATTAGCTTTATGATGCTCACAT[C>T]GTAACCTTTCATCAATTAACATTTTCTGGAACTCCGACTGAGAACCTGTCAATCCACTGT-3'
Protein context (NP_057206.2, residues 31-51): FQKMLIDERL[Arg41Gln]CEHHKANYQT